The following is an entry in ClinVar:

ClinVar aggregate classification (germline): Uncertain significance (1 of 4 stars; one submission).

Conditions:
Hereditary cancer-predisposing syndrome. Also called: Tumor predisposition; Hereditary neoplastic syndrome; Hereditary Cancer Syndrome; Neoplastic Syndromes, Hereditary. Identifiers: Orphanet 140162, MedGen C0027672, MeSH D009386, MONDO:0015356.

Submission:

Ambry Genetics
Classification: Uncertain significance for Hereditary cancer-predisposing syndrome. Last evaluated: 2023-10-13. Review status: criteria provided, single submitter. Criteria: Ambry Variant Classification Scheme 2023. Collection method: clinical testing. Allele origin: germline.
Comment: The p.S550P variant (also known as c.1648T>C), located in coding exon 6 of the BLM gene, results from a T to C substitution at nucleotide position 1648. The serine at codon 550 is replaced by proline, an amino acid with similar properties. This amino acid position is conserved. In addition, this alteration is predicted to be tolerated by in silico analysis. Since supporting evidence is limited at this time, the clinical significance of this alteration remains unclear.

NM_000057.4(BLM):c.1648T>C (p.Ser550Pro)

Gene: BLM (BLM RecQ like helicase; plus strand). Cytogenetic location: 15q26.1.
Variant type: single nucleotide variant.
Coding change: c.1648T>C on transcript NM_000057.4 (MANE Select); coding-DNA position 1648, T replaced by C.
Protein change: p.Ser550Pro; replaces serine 550 with proline.
Molecular consequence: missense variant.
Genome position (GRCh38, 1-based): chr15:90,761,021, T>C. VCF-style: chr15-90761021-T-C. GRCh37 (hg19) VCF-style: chr15-91304251-T-C.
Other names: c.1648T>C, p.Ser550Pro (NM_001287246.2, NM_001287247.2); c.523T>C, p.Ser175Pro (NM_001287248.2); short protein forms S175P, S550P.
Identifiers: ClinVar variation 3223969 (VCV003223969.1), dbSNP rs2505427783, ClinGen allele CA393843522.